The following is an entry in ClinVar:

NM_001370259.2(MEN1):c.993C>A (p.Asn331Lys)

Gene: MEN1 (menin 1; minus strand). Cytogenetic location: 11q13.1.
Variant type: single nucleotide variant.
Coding change: c.993C>A on transcript NM_001370259.2 (MANE Select); coding-DNA position 993, C replaced by A.
Protein change: p.Asn331Lys; replaces asparagine 331 with lysine.
Molecular consequence: missense variant. On other transcripts: non-coding transcript variant (4).
Genome position (GRCh38, 1-based): chr11:64,806,288, G>T on the plus strand (C>A on the coding strand, the complement: MEN1 is on the minus strand). VCF-style: chr11-64806288-G-T. GRCh37 (hg19) VCF-style: chr11-64573760-G-T.
Other names: c.1008C>A, p.Asn336Lys (NM_000244.4, NM_001407145.1, NM_001407150.1 and 5 more transcripts); c.993C>A, p.Asn331Lys (NM_001370251.2, NM_001370260.2, NM_001370261.2 and 7 more transcripts); c.888C>A, p.Asn296Lys (NM_001370262.2, NM_001370263.2, NM_001407148.1 and 2 more transcripts); short protein forms N296K, N331K, N336K.
Identifiers: ClinVar variation 3229120 (VCV003229120.1), dbSNP rs370176253, ClinGen allele CA381183288.

ClinVar aggregate classification (germline): Uncertain significance (1 of 4 stars; one submission).

Conditions:
Hereditary cancer-predisposing syndrome. Also called: Neoplastic Syndromes, Hereditary; Tumor predisposition; Hereditary neoplastic syndrome; Hereditary Cancer Syndrome. Identifiers: Orphanet 140162, MedGen C0027672, MeSH D009386, MONDO:0015356.

Submission:

Ambry Genetics
Classification: Uncertain significance for Hereditary cancer-predisposing syndrome. Last evaluated: 2023-12-11. Review status: criteria provided, single submitter. Criteria: Ambry Variant Classification Scheme 2023. Collection method: clinical testing. Allele origin: germline.
Comment: The p.N331K variant (also known as c.993C>A), located in coding exon 6 of the MEN1 gene, results from a C to A substitution at nucleotide position 993. The asparagine at codon 331 is replaced by lysine, an amino acid with similar properties. This amino acid position is conserved. In addition, the in silico prediction for this alteration is inconclusive. Since supporting evidence is limited at this time, the clinical significance of this alteration remains unclear.